The following is an entry in ClinVar:

ClinVar aggregate classification (germline): Uncertain significance (1 of 4 stars; one submission).

gnomAD v4.1: 3 of 1,610,146 alleles (0.00019%); highest among the groups gnomAD compares: Admixed American, 0.0017%; no homozygotes.

Submission:

Labcorp Genetics (formerly Invitae), Labcorp
Classification: Uncertain significance. Last evaluated: 2025-08-09. Review status: criteria provided, single submitter. Criteria: Invitae Variant Classification Sherloc (09022015). Collection method: clinical testing. Allele origin: germline.
Comment: This sequence change replaces alanine, which is neutral and non-polar, with serine, which is neutral and polar, at codon 37 of the HTRA2 protein (p.Ala37Ser). This variant is not present in population databases (gnomAD no frequency). This variant has not been reported in the literature in individuals affected with HTRA2-related conditions. ClinVar contains an entry for this variant (Variation ID: 1956315). An algorithm developed to predict the effect of missense changes on protein structure and function (PolyPhen-2) suggests that this variant is likely to be tolerated. In summary, the available evidence is currently insufficient to determine the role of this variant in disease. Therefore, it has been classified as a Variant of Uncertain Significance.

NM_013247.5(HTRA2):c.109G>T (p.Ala37Ser)

Gene: HTRA2 (HtrA serine peptidase 2; plus strand). Cytogenetic location: 2p13.1.
Variant type: single nucleotide variant.
Coding change: c.109G>T on transcript NM_013247.5 (MANE Select); coding-DNA position 109, G replaced by T.
Protein change: p.Ala37Ser; replaces alanine 37 with serine.
Molecular consequence: missense variant. On other transcripts: non-coding transcript variant (1).
Genome position (GRCh38, 1-based): chr2:74,530,115, G>T. VCF-style: chr2-74530115-G-T. GRCh37 (hg19) VCF-style: chr2-74757242-G-T.
Other names: c.109G>T, p.Ala37Ser (NM_001321727.1, NM_001321728.1, NM_145074.2); short protein forms A37S.
Identifiers: ClinVar variation 1956315 (VCV001956315.3), dbSNP rs1675475504, ClinGen allele CA347375773.